The following is an entry in ClinVar:

NM_012123.4(MTO1):c.1353T>G (p.Ile451Met)

Gene: MTO1 (mitochondrial tRNA translation optimization 1; plus strand). Cytogenetic location: 6q13.
Variant type: single nucleotide variant.
Coding change: c.1353T>G on transcript NM_012123.4 (MANE Select); coding-DNA position 1353, T replaced by G.
Protein change: p.Ile451Met; replaces isoleucine 451 with methionine.
Molecular consequence: missense variant.
Genome position (GRCh38, 1-based): chr6:73,482,132, T>G. VCF-style: chr6-73482132-T-G. GRCh37 (hg19) VCF-style: chr6-74191855-T-G.
Other names: c.1473T>G, p.Ile491Met (NM_001123226.2); c.1428T>G, p.Ile476Met (NM_133645.3); c.1473T>G (NM_001123226.1); short protein forms I451M, I476M, I491M.
Identifiers: ClinVar variation 2057502 (VCV002057502.2), dbSNP rs557440944, ClinGen allele CA3889626.
Genomic context (GRCh38, chr6:73,482,132, plus strand): 5'-GGTCAGTCGCAAGCCTCCCTTTGTGGTTAGCCGAACAGAAGGTTACATAGGAGTCTTGAT[T>G]GATGACCTCACTACTCTGGGCACCAGTGAACCATACCGCATGTTTACCAGCCGAGTAGAG-3'
Protein context (NP_036255.2, residues 441-461): SRTEGYIGVL[Ile451Met]DDLTTLGTSE

ClinVar aggregate classification (germline): Uncertain significance. Review status: criteria provided, multiple submitters, no conflicts (2 of 4 stars). 2 submissions from 2 submitters: Uncertain significance (2). Last evaluated 2024-12-24.

Conditions:
Inborn genetic diseases. Identifiers: MedGen C0950123, MeSH D030342.
Mitochondrial hypertrophic cardiomyopathy with lactic acidosis due to MTO1 deficiency. Also called: Combined oxidative phosphorylation deficiency 10; CARDIOMYOPATHY, INFANTILE HYPERTROPHIC MITOCHONDRIAL, AND LACTIC ACIDOSIS. Identifiers: Orphanet 314637, MedGen C4749921, MONDO:0013865, OMIM 614702.

Allele frequency attached by ClinVar (database versions not stated): gnomAD 0.00001; gnomAD exomes 0.00003; ExAC 0.00007; 1000 Genomes Project 30x 0.00016; 1000 Genomes Project 0.00020.
gnomAD v4.1: 43 of 1,614,180 alleles (0.0027%); highest among the groups gnomAD compares: South Asian, 0.032%; 1 homozygote.

Submissions (2):

Ambry Genetics
Classification: Uncertain significance for Inborn genetic diseases. Last evaluated: 2024-12-24. Review status: criteria provided, single submitter. Criteria: Ambry Variant Classification Scheme 2023. Collection method: clinical testing. Allele origin: germline.

Labcorp Genetics (formerly Invitae), Labcorp
Classification: Uncertain significance for Mitochondrial hypertrophic cardiomyopathy with lactic acidosis due to MTO1 deficiency. Last evaluated: 2022-08-08. Review status: criteria provided, single submitter. Criteria: Invitae Variant Classification Sherloc (09022015). Collection method: clinical testing. Allele origin: germline.
Comment: This sequence change replaces isoleucine, which is neutral and non-polar, with methionine, which is neutral and non-polar, at codon 451 of the MTO1 protein (p.Ile451Met). This variant is present in population databases (rs557440944, gnomAD 0.04%). This variant has not been reported in the literature in individuals affected with MTO1-related conditions. Algorithms developed to predict the effect of missense changes on protein structure and function are either unavailable or do not agree on the potential impact of this missense change (SIFT: "Deleterious"; PolyPhen-2: "Probably Damaging"; Align-GVGD: "Class C0"). In summary, the available evidence is currently insufficient to determine the role of this variant in disease. Therefore, it has been classified as a Variant of Uncertain Significance.